The following is an entry in ClinVar:

NM_003902.5(FUBP1):c.538G>T (p.Gly180Cys)

Gene: FUBP1 (far upstream element binding protein 1; minus strand). Cytogenetic location: 1p31.1.
Variant type: single nucleotide variant.
Coding change: c.538G>T on transcript NM_003902.5 (MANE Select); coding-DNA position 538, G replaced by T.
Protein change: p.Gly180Cys; replaces glycine 180 with cysteine.
Molecular consequence: missense variant. On other transcripts: non-coding transcript variant (5).
Genome position (GRCh38, 1-based): chr1:77,965,167, C>A on the plus strand (G>T on the coding strand, the complement: FUBP1 is on the minus strand). VCF-style: chr1-77965167-C-A. GRCh37 (hg19) VCF-style: chr1-78430851-C-A.
Other names: c.601G>T, p.Gly201Cys (NM_001303433.2); c.598G>T, p.Gly200Cys (NM_001376055.1); c.535G>T, p.Gly179Cys (NM_001376056.1, NM_001376057.1); short protein forms G180C, G201C, G179C, G200C.
Identifiers: ClinVar variation 134461 (VCV000134461.1), dbSNP rs587778377, ClinGen allele CA159881.

ClinVar aggregate classification (germline): not provided (0 of 4 stars; one submission).

Submission:

ITMI
No classification provided. Condition: AllHighlyPenetrant. Last evaluated: 2013-09-19. Review status: no classification provided. Collection method: reference population. Allele origin: germline.
Comment: Please see associated publication for description of ethnicities

Literature cited by the submitters: PubMed 24728327.